The following is an entry in ClinVar:

ClinVar aggregate classification (germline): Conflicting classifications of pathogenicity. Review status: criteria provided, conflicting classifications (1 of 4 stars). 2 submissions from 2 submitters: Uncertain significance (1); Likely benign (1). Last evaluated 2025-07-09.

Conditions:
Beckwith-Wiedemann syndrome (BWS). Also called: Exomphalos macroglossia gigantism syndrome; EMG SYNDROME. Identifiers: Orphanet 116, MedGen C0004903, MONDO:0007534, OMIM 130650.

Allele frequency attached by ClinVar (database versions not stated): gnomAD 0.00001; TOPMed 0.00001; gnomAD exomes 0.00003; ExAC 0.00006.

Submissions (2):

Labcorp Genetics (formerly Invitae), Labcorp
Classification: Likely benign for Beckwith-Wiedemann syndrome. Last evaluated: 2025-07-09. Review status: criteria provided, single submitter. Criteria: Invitae Variant Classification Sherloc (09022015). Collection method: clinical testing. Allele origin: germline.

CeGaT Center for Human Genetics Tuebingen
Classification: Uncertain significance. Last evaluated: 2024-02-01. Review status: criteria provided, single submitter. Criteria: CeGaT Center For Human Genetics Tuebingen Variant Classification Criteria Version 2. Collection method: clinical testing. Allele origin: germline. Affected: yes. Observed: 2 variant alleles.
Comment: CDKN1C: PP2, BP4

NM_001122630.2(CDKN1C):c.855C>T (p.Pro285=)

Gene: CDKN1C (cyclin dependent kinase inhibitor 1C; minus strand). Cytogenetic location: 11p15.4.
Variant type: single nucleotide variant.
Coding change: c.855C>T on transcript NM_001122630.2 (MANE Select); coding-DNA position 855, C replaced by T.
Protein change: p.Pro285=; no amino-acid change (proline 285 retained).
Molecular consequence: synonymous variant. On other transcripts: missense variant (1).
Genome position (GRCh38, 1-based): chr11:2,884,067, G>A on the plus strand (C>T on the coding strand, the complement: CDKN1C is on the minus strand). VCF-style: chr11-2884067-G-A. GRCh37 (hg19) VCF-style: chr11-2905297-G-A.
Other names: c.888C>T, p.Pro296= (LRG_533t1, NM_000076.2, NM_001362474.2); c.855C>T, p.Pro285= (NM_001122631.2); c.323C>T, p.Pro108Leu (NM_001362475.2); short protein forms P108L.
Identifiers: ClinVar variation 454040 (VCV000454040.33), dbSNP rs779172459, ClinGen allele CA5822144.